The following is an entry in ClinVar:

NM_001134831.2(AHI1):c.2541del (p.His848fs)

Gene: AHI1 (Abelson helper integration site 1; minus strand). Cytogenetic location: 6q23.3.
Variant type: Deletion.
Coding change: c.2541del on transcript NM_001134831.2 (MANE Select); coding-DNA position 2541, one base deleted (T; older notation c.2541delT).
Protein change: p.His848fs; shifts the reading frame from histidine 848.
Molecular consequence: frameshift variant.
Genome position (GRCh38, 1-based): chr6:135,428,711, A deleted on the plus strand (T on the coding strand, the reverse complement: AHI1 is on the minus strand); the first of 2 consecutive A bases (chr6:135,428,711-135,428,712); deleting either gives the same sequence. VCF-style (leftmost placement, unchanged base first): chr6-135428710-GA-G. GRCh37 (hg19) VCF-style: chr6-135749848-GA-G.
Other names: c.2541del, p.His848fs (NM_001134830.2, NM_001134832.2, NM_001350503.2 and 2 more transcripts); short protein forms H848fs.
Identifiers: ClinVar variation 5015579 (VCV005015579.1).

ClinVar aggregate classification (germline): Pathogenic (1 of 4 stars; one submission).

Conditions:
Joubert syndrome 3 (JBTS3). Also called: AHI1-related Ciliopathy. Identifiers: Orphanet 220493, MedGen C1837713, MONDO:0012078, OMIM 608629.

Submission:

Myriad Genetics, Inc.
Classification: Pathogenic for Joubert syndrome 3. Last evaluated: 2026-02-20. Review status: criteria provided, single submitter. Criteria: Myriad Autosomal Dominant, Autosomal Recessive and X-Linked Classification Criteria (2023). Collection method: clinical testing. Allele origin: unknown.
Comment: NM_001134831.1(AHI1):c.2541delT(H848Ifs*4) is expected to be pathogenic in the context of Joubert syndrome, AHI1-related. This variant is predicted to lead to an abnormal or absent protein product due to the creation of a premature termination codon in AHI1, a gene where loss-of-function variants are known to be pathogenic. Please note: this variant was assessed in the context of healthy population screening.